The following is an entry in ClinVar:

ClinVar aggregate classification (germline): Pathogenic. Review status: criteria provided, multiple submitters, no conflicts (2 of 4 stars). 2 submissions from 2 submitters: Pathogenic (2). Last evaluated 2023-03-08.

Conditions:
Otospondylomegaepiphyseal dysplasia, autosomal recessive (OSMEDB). Also called: CHONDRODYSTROPHY WITH SENSORINEURAL DEAFNESS; Insley-Astley syndrome. Identifiers: Orphanet 1427, MedGen CN034493, MONDO:0044206, OMIM 215150.

Allele frequency attached by ClinVar (database versions not stated): TOPMed below 0.00001; ExAC 0.00001; gnomAD exomes 0.00002.
gnomAD v4.1: 25 of 1,612,568 alleles (0.0016%); highest among the groups gnomAD compares: Non-Finnish European, 0.0021%; no homozygotes.

Submissions (2):

Labcorp Genetics (formerly Invitae), Labcorp
Classification: Pathogenic. Last evaluated: 2023-03-08. Review status: criteria provided, single submitter. Criteria: Invitae Variant Classification Sherloc (09022015). Collection method: clinical testing. Allele origin: germline.
Comment: This variant is present in population databases (rs770271840, gnomAD 0.0008%). This sequence change creates a premature translational stop signal (p.Arg558*) in the COL11A2 gene. It is expected to result in an absent or disrupted protein product. Loss-of-function variants in COL11A2 are known to be pathogenic (PMID: 10677296, 21204229). This variant has not been reported in the literature in individuals affected with COL11A2-related conditions. For these reasons, this variant has been classified as Pathogenic. ClinVar contains an entry for this variant (Variation ID: 1975014).

North West Genomic Laboratory Hub, Manchester University NHS Foundation Trust
Classification: Pathogenic for Otospondylomegaepiphyseal dysplasia, autosomal recessive. Last evaluated: 2021-01-14. Review status: criteria provided, single submitter. Criteria: ACMG Guidelines, 2015. Collection method: clinical testing. Allele origin: germline. Affected: yes.
Comment: Criteria Codes: PVS1 PM2

Literature cited by the submitters: PubMed 10677296 (cited by Labcorp Genetics (formerly Invitae), Labcorp); PubMed 21204229 (cited by Labcorp Genetics (formerly Invitae), Labcorp).

NM_080680.3(COL11A2):c.1672C>T (p.Arg558Ter)

Gene: COL11A2 (collagen type XI alpha 2 chain; minus strand). Cytogenetic location: 6p21.32.
Variant type: single nucleotide variant.
Coding change: c.1672C>T on transcript NM_080680.3 (MANE Select); coding-DNA position 1672, C replaced by T.
Protein change: p.Arg558Ter; replaces arginine 558 with a stop codon.
Molecular consequence: nonsense.
Genome position (GRCh38, 1-based): chr6:33,178,726, G>A on the plus strand (C>T on the coding strand, the complement: COL11A2 is on the minus strand). VCF-style: chr6-33178726-G-A. GRCh37 (hg19) VCF-style: chr6-33146503-G-A.
Other names: c.1351C>T, p.Arg451Ter (NM_080679.3); c.1414C>T, p.Arg472Ter (NM_080681.3); short protein forms R558*, R472*, R451*.
Identifiers: ClinVar variation 1975014 (VCV001975014.6), dbSNP rs770271840, ClinGen allele CA3751251.